The following is an entry in ClinVar:

ClinVar aggregate classification (germline): Uncertain significance (1 of 4 stars; one submission).

Conditions:
Telangiectasia, hereditary hemorrhagic, type 2 (HHT2). Also called: Telangiectasia, hereditary hemorrhagic, type II; ACVRL1-Related Hereditary Hemorrhagic Telangiectasia. Identifiers: Orphanet 774, MedGen C1838163, MONDO:0010880, OMIM 600376. Disease mechanism: loss of function.

Submission:

Labcorp Genetics (formerly Invitae), Labcorp
Classification: Uncertain significance for Telangiectasia, hereditary hemorrhagic, type 2. Last evaluated: 2022-02-23. Review status: criteria provided, single submitter. Criteria: Invitae Variant Classification Sherloc (09022015). Collection method: clinical testing. Allele origin: germline.
Comment: Algorithms developed to predict the effect of sequence changes on RNA splicing suggest that this variant may disrupt the consensus splice site. This sequence change falls in intron 4 of the ACVRL1 gene. It does not directly change the encoded amino acid sequence of the ACVRL1 protein. This variant is not present in population databases (gnomAD no frequency). This variant has not been reported in the literature in individuals affected with ACVRL1-related conditions. In summary, the available evidence is currently insufficient to determine the role of this variant in disease. Therefore, it has been classified as a Variant of Uncertain Significance.

NM_000020.3(ACVRL1):c.526-13T>A

Gene: ACVRL1 (activin A receptor like type 1; plus strand). Cytogenetic location: 12q13.13.
Variant type: single nucleotide variant.
Coding change: c.526-13T>A on transcript NM_000020.3 (MANE Select); 13 bases into the intron before coding-DNA position 526, T replaced by A.
Molecular consequence: intron variant.
Genome position (GRCh38, 1-based): chr12:51,913,961, T>A. VCF-style: chr12-51913961-T-A. GRCh37 (hg19) VCF-style: chr12-52307745-T-A.
Other names: c.526-13T>A (NM_001077401.2).
Identifiers: ClinVar variation 2102498 (VCV002102498.4), dbSNP rs2540161470, ClinGen allele CA2580086453.